The following is an entry in ClinVar:

NM_016464.5(TMEM138):c.94C>T (p.Gln32Ter)

Gene: TMEM138 (transmembrane protein 138; plus strand). Cytogenetic location: 11q12.2.
Variant type: single nucleotide variant.
Coding change: c.94C>T on transcript NM_016464.5 (MANE Select); coding-DNA position 94, C replaced by T.
Protein change: p.Gln32Ter; replaces glutamine 32 with a stop codon.
Molecular consequence: nonsense. On other transcripts: non-coding transcript variant (1), intron variant (1).
Genome position (GRCh38, 1-based): chr11:61,364,484, C>T. VCF-style: chr11-61364484-C-T. GRCh37 (hg19) VCF-style: chr11-61131956-C-T.
Other names: c.-47+169C>T (NM_001330281.2); short protein forms Q32*.
Identifiers: ClinVar variation 1458178 (VCV001458178.6), dbSNP rs146264153, ClinGen allele CA6034517.
Genomic context (GRCh38, chr11:61,364,484, plus strand): 5'-TCTCTGCAGTTCCTGCTGCTGTCCTATGACCTCTTTGTCAATTCCTTCTCAGAACTGCTC[C>T]AAAAGACTCCTGTCATCCAGCTTGTGCTCTTCATGTGCGTGCAGTAAGGCACTCTGGAAA-3'

ClinVar aggregate classification (germline): Pathogenic (1 of 4 stars; one submission).

Conditions:
Joubert syndrome 16 (JBTS16). Identifiers: Orphanet 2318, MedGen C3280906, MONDO:0013764, OMIM 614465.

Allele frequency attached by ClinVar (database versions not stated): gnomAD 0.00001; gnomAD exomes 0.00001 and 0.00002; ExAC 0.00002; TOPMed 0.00002; ESP Exome Variant Server 0.00008.
gnomAD v4.1: 25 of 1,614,098 alleles (0.0015%); highest among the groups gnomAD compares: Admixed American, 0.0033%; no homozygotes.

Submission:

Labcorp Genetics (formerly Invitae), Labcorp
Classification: Pathogenic for Joubert syndrome 16. Last evaluated: 2023-08-28. Review status: criteria provided, single submitter. Criteria: Invitae Variant Classification Sherloc (09022015). Collection method: clinical testing. Allele origin: germline.
Comment: For these reasons, this variant has been classified as Pathogenic. Algorithms developed to predict the effect of sequence changes on RNA splicing suggest that this variant may disrupt the consensus splice site. ClinVar contains an entry for this variant (Variation ID: 1458178). This variant has not been reported in the literature in individuals affected with TMEM138-related conditions. This variant is present in population databases (rs146264153, gnomAD 0.003%). This sequence change creates a premature translational stop signal (p.Gln32*) in the TMEM138 gene. It is expected to result in an absent or disrupted protein product. Loss-of-function variants in TMEM138 are known to be pathogenic (PMID: 26489029).

Literature cited by the submitters: PubMed 26489029.